The following is an entry in ClinVar:

ClinVar aggregate classification (germline): Uncertain significance (1 of 4 stars; one submission).

Conditions:
Hereditary cancer-predisposing syndrome. Also called: Neoplastic Syndromes, Hereditary; Tumor predisposition; Hereditary Cancer Syndrome; Hereditary neoplastic syndrome. Identifiers: Orphanet 140162, MedGen C0027672, MeSH D009386, MONDO:0015356.

Submission:

Ambry Genetics
Classification: Uncertain significance for Hereditary cancer-predisposing syndrome. Last evaluated: 2026-08-10. Review status: criteria provided, single submitter. Criteria: Ambry Variant Classification Scheme 2023. Collection method: clinical testing. Allele origin: germline.
Comment: The p.Q582K variant (also known as c.1744C>A), located in coding exon 9 of the MEN1 gene, results from a C to A substitution at nucleotide position 1744. The glutamine at codon 582 is replaced by lysine, an amino acid with similar properties. This amino acid position is highly conserved in available vertebrate species. In addition, this alteration is predicted to be deleterious by in silico analysis. Based on the available evidence, the clinical significance of this variant remains unclear.

NM_001370259.2(MEN1):c.1744C>A (p.Gln582Lys)

Gene: MEN1 (menin 1; minus strand). Cytogenetic location: 11q13.1.
Variant type: single nucleotide variant.
Coding change: c.1744C>A on transcript NM_001370259.2 (MANE Select); coding-DNA position 1744, C replaced by A.
Protein change: p.Gln582Lys; replaces glutamine 582 with lysine.
Molecular consequence: missense variant. On other transcripts: non-coding transcript variant (4).
Genome position (GRCh38, 1-based): chr11:64,804,423, G>T on the plus strand (C>A on the coding strand, the complement: MEN1 is on the minus strand). VCF-style: chr11-64804423-G-T. GRCh37 (hg19) VCF-style: chr11-64571895-G-T.
Other names: c.1759C>A, p.Gln587Lys (NM_000244.4, NM_001407145.1, NM_130801.3 and 4 more transcripts); c.1870C>A, p.Gln624Lys (NM_001370251.2, NM_001407142.1, NM_001407143.1 and 1 more transcripts); c.1744C>A, p.Gln582Lys (NM_001370260.2, NM_001370261.2, NM_001407146.1 and 2 more transcripts); c.1639C>A, p.Gln547Lys (NM_001370262.2, NM_001370263.2, NM_001407148.1 and 1 more transcripts); c.1885C>A, p.Gln629Lys (NM_001407150.1); c.1765C>A, p.Gln589Lys (NM_001407151.1); c.1579C>A, p.Gln527Lys (NM_001407152.1); short protein forms Q527K, Q547K, Q582K, Q587K, Q589K, Q624K, Q629K.
Identifiers: ClinVar variation 3229081 (VCV003229081.2), dbSNP rs2136078722, ClinGen allele CA381177487.